The following is an entry in ClinVar:

ClinVar aggregate classification (germline): Uncertain significance (1 of 4 stars; one submission).

Conditions:
Inborn genetic diseases. Identifiers: MedGen C0950123, MeSH D030342.

gnomAD v4.1: 1 of 1,614,084 alleles (0.000062%); highest among the groups gnomAD compares: Non-Finnish European, 0.000085%; no homozygotes.

Submission:

Ambry Genetics
Classification: Uncertain significance for Inborn genetic diseases. Last evaluated: 2025-01-06. Review status: criteria provided, single submitter. Criteria: Ambry Variant Classification Scheme 2023. Collection method: clinical testing. Allele origin: germline.
Comment: The c.4394G>A (p.R1465H) alteration is located in exon 11 (coding exon 11) of the KMT2A gene. This alteration results from a G to A substitution at nucleotide position 4394, causing the arginine (R) at amino acid position 1465 to be replaced by a histidine (H). This variant was not reported in population-based cohorts in the Genome Aggregation Database (gnomAD). This amino acid position is highly conserved in available vertebrate species. This alteration is predicted to be deleterious by in silico analysis. Based on insufficient or conflicting evidence, the clinical significance of this alteration remains unclear.

NM_001197104.2(KMT2A):c.4394G>A (p.Arg1465His)

Gene: KMT2A (lysine methyltransferase 2A; plus strand). Cytogenetic location: 11q23.3.
Variant type: single nucleotide variant.
Coding change: c.4394G>A on transcript NM_001197104.2 (MANE Select); coding-DNA position 4394, G replaced by A.
Protein change: p.Arg1465His; replaces arginine 1465 with histidine.
Molecular consequence: missense variant.
Genome position (GRCh38, 1-based): chr11:118,488,675, G>A. VCF-style: chr11-118488675-G-A. GRCh37 (hg19) VCF-style: chr11-118359390-G-A.
Other names: c.4493G>A, p.Arg1498His (NM_001412597.1); c.4394G>A, p.Arg1465His (NM_005933.4); short protein forms R1465H, R1498H.
Identifiers: ClinVar variation 3535454 (VCV003535454.2).